The following is an entry in ClinVar:

ClinVar aggregate classification (germline): Likely pathogenic (1 of 4 stars; one submission).

Submission:

Dasa
Classification: Likely pathogenic. Last evaluated: 2024-11-05. Review status: criteria provided, single submitter. Criteria: DASA Assertion Criteria. Collection method: clinical testing. Allele origin: germline.
Comment: NM_001202.6(BMP4):c.975G>A (p.Trp325*) is a nonsense variant in BMP4 predicted to introduce a premature termination codon and is predicted to result in an absent or altered protein product. Loss of function is an established disease mechanism for BMP4 (PMID: 21340693; PMID: 18252212; PMID: 31053785). Also, this variant is absent from population databases. Based on the currently available evidence, this variant is classified as likely pathogenic.

Literature cited by the submitters: PubMed 21340693; PubMed 18252212; PubMed 31053785.

NM_001202.6(BMP4):c.975G>A (p.Trp325Ter)

Gene: BMP4 (bone morphogenetic protein 4; minus strand). Cytogenetic location: 14q22.2.
Variant type: single nucleotide variant.
Coding change: c.975G>A on transcript NM_001202.6 (MANE Select); coding-DNA position 975, G replaced by A.
Protein change: p.Trp325Ter; replaces tryptophan 325 with a stop codon.
Molecular consequence: nonsense.
Genome position (GRCh38, 1-based): chr14:53,950,284, C>T on the plus strand (G>A on the coding strand, the complement: BMP4 is on the minus strand). VCF-style: chr14-53950284-C-T. GRCh37 (hg19) VCF-style: chr14-54417002-C-T.
Other names: c.1116G>A, p.Trp372Ter (NM_001347912.1); c.786G>A, p.Trp262Ter (NM_001347913.2, NM_001347915.2, NM_001347917.1); c.975G>A, p.Trp325Ter (NM_001347914.2, NM_001347916.1, NM_130850.5 and 1 more transcripts); short protein forms W262*, W325*, W372*.
Identifiers: ClinVar variation 4883608 (VCV004883608.2).